The following is an entry in ClinVar:

NM_024422.6(DSC2):c.1892C>G (p.Thr631Arg)

Gene: DSC2 (desmocollin 2; minus strand). Cytogenetic location: 18q12.1.
Variant type: single nucleotide variant.
Coding change: c.1892C>G on transcript NM_024422.6 (MANE Select); coding-DNA position 1892, C replaced by G.
Protein change: p.Thr631Arg; replaces threonine 631 with arginine.
Molecular consequence: missense variant.
Genome position (GRCh38, 1-based): chr18:31,071,838, G>C on the plus strand (C>G on the coding strand, the complement: DSC2 is on the minus strand). VCF-style: chr18-31071838-G-C. GRCh37 (hg19) VCF-style: chr18-28651804-G-C.
Other names: c.1463C>G, p.Thr488Arg (NM_001406506.1, NM_001406507.1); c.1892C>G, p.Thr631Arg (NM_004949.5); short protein forms T488R, T631R.
Identifiers: ClinVar variation 3074095 (VCV003074095.1), dbSNP rs542585921, ClinGen allele CA402113524.
Genomic context (GRCh38, chr18:31,071,838, plus strand): 5'-GTTATAGGTACTACATATGAGCCAAATGGAGGATCATTCTGATAGGAAAGACGTGCTGCT[G>C]TATCTGAAAATATAAATAAATAAAACCAAACATTATACAATGTCACTGATTTCTTCTGAA-3'
Protein context (NP_077740.1, residues 621-641): RMWRLKAIND[Thr631Arg]AARLSYQNDP

ClinVar aggregate classification (germline): Uncertain significance (1 of 4 stars; one submission).

Conditions:
Familial isolated arrhythmogenic right ventricular dysplasia. Identifiers: Orphanet 217656, MedGen C4274968, MONDO:0016342.

Submission:

All of Us Research Program, National Institutes of Health
Classification: Uncertain significance for Familial isolated arrhythmogenic right ventricular dysplasia. Last evaluated: 2023-10-23. Review status: criteria provided, single submitter. Criteria: ACMG Guidelines, 2015. Collection method: clinical testing. Allele origin: germline. Inheritance: Autosomal dominant inheritance. Observed: 1 variant allele, 1 heterozygote.
Comment: This missense variant replaces threonine with arginine at codon 631 of the DSC2 protein. Computational prediction suggests that this variant may not impact protein structure and function (internally defined REVEL score threshold <= 0.5, PMID: 27666373). To our knowledge, functional studies have not been reported for this variant. This variant has not been reported in individuals affected with DSC2-related disorders in the literature. This variant has not been identified in the general population by the Genome Aggregation Database (gnomAD). The available evidence is insufficient to determine the role of this variant in disease conclusively. Therefore, this variant is classified as a Variant of Uncertain Significance.

This study involves interpretation of variants in research participants for the purpose of population health screening. Participant phenotype was not available at the time of variant classification. Additional details can be found in publication PMID: 35346344, PMCID: PMC8962531